The following is an entry in ClinVar:

ClinVar aggregate classification (germline): Uncertain significance (1 of 4 stars; one submission).

Submission:

Women's Health and Genetics/Laboratory Corporation of America, LabCorp
Classification: Uncertain significance. Last evaluated: 2026-05-12. Review status: criteria provided, single submitter. Criteria: LabCorp Variant Classification Summary - May 2015. Collection method: clinical testing. Allele origin: germline.
Comment: Variant summary: BRCA2 c.7391_7393delAAG (p.Gln2464_Ala2465delinsPro) results in an in-frame deletion-insertion. The variant was absent in 251074 control chromosomes. The available data on variant occurrences in the general population are insufficient to allow any conclusion about variant significance. To our knowledge, no occurrence of c.7391_7393delAAG in individuals affected with BRCA2-related conditions and no experimental evidence demonstrating its impact on protein function have been reported. No submitters have cited clinical-significance assessments for this variant to ClinVar. Based on the evidence outlined above, the variant was classified as uncertain significance.

NM_000059.4(BRCA2):c.7391_7393del (p.Gln2464_Ala2465delinsPro)

Gene: BRCA2 (BRCA2 DNA repair associated; plus strand). Cytogenetic location: 13q13.1.
Variant type: Deletion.
Coding change: c.7391_7393del on transcript NM_000059.4 (MANE Select); coding-DNA positions 7391 to 7393, 3 bases deleted (AAG; older notation c.7391_7393delAAG).
Protein change: p.Gln2464_Ala2465delinsPro.
Molecular consequence: inframe indel. On other transcripts: non-coding transcript variant (1).
Genome position (GRCh38, 1-based): chr13:32,355,244-32,355,246, AAG deleted. VCF-style (leftmost placement, unchanged base first): chr13-32355243-CAAG-C. GRCh37 (hg19) VCF-style: chr13-32929380-CAAG-C.
Other names: c.7295_7297del, p.Gln2432_Ala2433delinsPro (NM_001406719.1); c.7391_7393del, p.Gln2464_Ala2465delinsPro (NM_001406720.1, NM_001432077.1); c.2459_2461del, p.Gln820_Ala821delinsPro (NM_001406721.1); c.974_976del, p.Gln325_Ala326delinsPro (NM_001406722.1); c.7391_7393delAAG (NM_000059.4).
Identifiers: ClinVar variation 4853210 (VCV004853210.1).
Genomic context (GRCh38, chr13:32,355,243, plus strand): 5'-GATAGTAAAAATAAGATTAATGACAATGAGATTCATCAGTTTAACAAAAACAACTCCAAT[CAAG>C]CAGTAGCTGTAACTTTCACAAAGTGTGAAGAAGAACCTTTAGGTATTGTATGACAATTTG-3'